The following is an entry in ClinVar:

NM_001013838.3(CARMIL2):c.2195A>G (p.Glu732Gly)

Gene: CARMIL2 (capping protein regulator and myosin 1 linker 2; plus strand). Cytogenetic location: 16q22.1.
Variant type: single nucleotide variant.
Coding change: c.2195A>G on transcript NM_001013838.3 (MANE Select); coding-DNA position 2195, A replaced by G.
Protein change: p.Glu732Gly; replaces glutamic acid 732 with glycine.
Molecular consequence: missense variant.
Genome position (GRCh38, 1-based): chr16:67,651,197, A>G. VCF-style: chr16-67651197-A-G. GRCh37 (hg19) VCF-style: chr16-67685100-A-G.
Other names: c.2087A>G, p.Glu696Gly (NM_001317026.3); short protein forms E732G, E696G.
Identifiers: ClinVar variation 2807114 (VCV002807114.3), dbSNP rs1312329611, ClinGen allele CA396340496.

ClinVar aggregate classification (germline): Uncertain significance (1 of 4 stars; one submission).

Allele frequency attached by ClinVar (database versions not stated): gnomAD exomes below 0.00001.

Submission:

Labcorp Genetics (formerly Invitae), Labcorp
Classification: Uncertain significance. Last evaluated: 2023-12-19. Review status: criteria provided, single submitter. Criteria: Invitae Variant Classification Sherloc (09022015). Collection method: clinical testing. Allele origin: germline.
Comment: This sequence change replaces glutamic acid, which is acidic and polar, with glycine, which is neutral and non-polar, at codon 732 of the CARMIL2 protein (p.Glu732Gly). This variant is present in population databases (no rsID available, gnomAD 0.003%). This variant has not been reported in the literature in individuals affected with CARMIL2-related conditions. Advanced modeling of protein sequence and biophysical properties (such as structural, functional, and spatial information, amino acid conservation, physicochemical variation, residue mobility, and thermodynamic stability) performed at Invitae indicates that this missense variant is not expected to disrupt CARMIL2 protein function with a negative predictive value of 80%. In summary, the available evidence is currently insufficient to determine the role of this variant in disease. Therefore, it has been classified as a Variant of Uncertain Significance.